The following is an entry in ClinVar:

NM_001261826.3(AP3D1):c.2328C>G (p.Ile776Met)

Gene: AP3D1 (adaptor related protein complex 3 subunit delta 1; minus strand). Cytogenetic location: 19p13.3.
Variant type: single nucleotide variant.
Coding change: c.2328C>G on transcript NM_001261826.3 (MANE Select); coding-DNA position 2328, C replaced by G.
Protein change: p.Ile776Met; replaces isoleucine 776 with methionine.
Molecular consequence: missense variant.
Genome position (GRCh38, 1-based): chr19:2,115,240, G>C on the plus strand (C>G on the coding strand, the complement: AP3D1 is on the minus strand). VCF-style: chr19-2115240-G-C. GRCh37 (hg19) VCF-style: chr19-2115239-G-C.
Other names: c.2328C>G, p.Ile776Met (NM_001374799.1, NM_003938.8); short protein forms I776M.
Identifiers: ClinVar variation 3725402 (VCV003725402.2).

ClinVar aggregate classification (germline): Uncertain significance (1 of 4 stars; one submission).

gnomAD v4.1: 1 of 1,613,416 alleles (0.000062%); highest among the groups gnomAD compares: South Asian, 0.0011%; no homozygotes.

Submission:

Labcorp Genetics (formerly Invitae), Labcorp
Classification: Uncertain significance. Last evaluated: 2025-05-19. Review status: criteria provided, single submitter. Criteria: Invitae Variant Classification Sherloc (09022015). Collection method: clinical testing. Allele origin: germline.
Comment: This sequence change replaces isoleucine, which is neutral and non-polar, with methionine, which is neutral and non-polar, at codon 776 of the AP3D1 protein (p.Ile776Met). This variant is not present in population databases (gnomAD no frequency). This variant has not been reported in the literature in individuals affected with AP3D1-related conditions. ClinVar contains an entry for this variant (Variation ID: 3725402). An algorithm developed to predict the effect of missense changes on protein structure and function (PolyPhen-2) suggests that this variant is likely to be disruptive. In summary, the available evidence is currently insufficient to determine the role of this variant in disease. Therefore, it has been classified as a Variant of Uncertain Significance.